The following is an entry in ClinVar:

ClinVar aggregate classification (germline): Likely benign. Review status: criteria provided, multiple submitters, no conflicts (2 of 4 stars). 4 submissions from 4 submitters: Likely benign (3). 1 of the submissions does not count toward it. Last evaluated 2025-12-02.

Conditions:
DNAAF5-related disorder. Also called: DNAAF5-related condition.
Primary ciliary dyskinesia 18. Also called: CILIARY DYSKINESIA, PRIMARY, 18, WITH OR WITHOUT SITUS INVERSUS. Identifiers: Orphanet 244, MedGen C3543825, MONDO:0013940, OMIM 614874.
Primary ciliary dyskinesia. Also called: Ciliary dyskinesia. Identifiers: Orphanet 244, MedGen C0008780, MONDO:0016575, HP:0012265.

Allele frequency attached by ClinVar (database versions not stated): gnomAD 0.00018 and 0.00035; gnomAD exomes 0.00032 and 0.00043; TOPMed 0.00033; ExAC 0.00046; 1000 Genomes Project 30x 0.00203; 1000 Genomes Project 0.00240.

Submissions (4):

Labcorp Genetics (formerly Invitae), Labcorp
Classification: Likely benign for Primary ciliary dyskinesia. Last evaluated: 2025-12-02. Review status: criteria provided, single submitter. Criteria: Invitae Variant Classification Sherloc (09022015). Collection method: clinical testing. Allele origin: germline.

Blueprint Genetics
Classification: Likely benign. Last evaluated: 2024-09-09. Review status: criteria provided, single submitter. Criteria: ACMG Guidelines, 2015. Collection method: clinical testing. Allele origin: germline.

Fulgent Genetics
Classification: Likely benign for Primary ciliary dyskinesia 18. Last evaluated: 2021-10-30. Review status: criteria provided, single submitter. Criteria: ACMG Guidelines, 2015. Collection method: clinical testing. Allele origin: unknown.

PreventionGenetics, part of Exact Sciences
Classification: Likely benign for DNAAF5-related condition. Last evaluated: 2019-11-01. Review status: no assertion criteria provided. Collection method: clinical testing. Allele origin: germline. Not counted in ClinVar's aggregate classification.
Comment: This variant is classified as likely benign based on ACMG/AMP sequence variant interpretation guidelines (Richards et al. 2015 PMID: 25741868, with internal and published modifications).

NM_017802.4(DNAAF5):c.787C>T (p.Arg263Trp)

Gene: DNAAF5 (dynein axonemal assembly factor 5; plus strand). Cytogenetic location: 7p22.3.
Variant type: single nucleotide variant.
Coding change: c.787C>T on transcript NM_017802.4 (MANE Select); coding-DNA position 787, C replaced by T.
Protein change: p.Arg263Trp; replaces arginine 263 with tryptophan.
Molecular consequence: missense variant. On other transcripts: non-coding transcript variant (1).
Genome position (GRCh38, 1-based): chr7:740,825, C>T. VCF-style: chr7-740825-C-T. GRCh37 (hg19) VCF-style: chr7-780462-C-T.
Other names: short protein forms R263W.
Identifiers: ClinVar variation 525551 (VCV000525551.12), dbSNP rs143045012, ClinGen allele CA4110462.